The following is an entry in ClinVar:

ClinVar aggregate classification (germline): Uncertain significance (1 of 4 stars; one submission).

Conditions:
Inborn genetic diseases. Identifiers: MedGen C0950123, MeSH D030342.

Submission:

Ambry Genetics
Classification: Uncertain significance for Inborn genetic diseases. Last evaluated: 2025-11-23. Review status: criteria provided, single submitter. Criteria: Ambry Variant Classification Scheme 2023. Collection method: clinical testing. Allele origin: germline.
Comment: The c.1214G>A (p.R405H) alteration is located in exon 12 (coding exon 12) of the NBEAL2 gene. This alteration results from a G to A substitution at nucleotide position 1214, causing the arginine (R) at amino acid position 405 to be replaced by a histidine (H). Based on data from gnomAD, the A allele has an overall frequency of 0.001% (2/219082) total alleles studied. The highest observed frequency was 0.004% (1/27392) of South Asian alleles. Based on insufficient or conflicting evidence, the clinical significance of this alteration remains unclear.

NM_015175.3(NBEAL2):c.1214G>A (p.Arg405His)

Gene: NBEAL2 (neurobeachin like 2; plus strand). Cytogenetic location: 3p21.31.
Variant type: single nucleotide variant.
Coding change: c.1214G>A on transcript NM_015175.3 (MANE Select); coding-DNA position 1214, G replaced by A.
Protein change: p.Arg405His; replaces arginine 405 with histidine.
Molecular consequence: missense variant.
Genome position (GRCh38, 1-based): chr3:46,994,471, G>A. VCF-style: chr3-46994471-G-A. GRCh37 (hg19) VCF-style: chr3-47035961-G-A.
Other names: c.1112G>A, p.Arg371His (NM_001365116.2); short protein forms R371H, R405H.
Identifiers: ClinVar variation 4625818 (VCV004625818.1).